The following is an entry in ClinVar:

ClinVar aggregate classification (germline): Likely benign (1 of 4 stars; one submission).

gnomAD v4.1: 26 of 1,613,662 alleles (0.0016%); highest among the groups gnomAD compares: Admixed American, 0.02%; no homozygotes.

Submission:

CeGaT Center for Human Genetics Tuebingen
Classification: Likely benign. Last evaluated: 2026-07-01. Review status: criteria provided, single submitter. Criteria: CeGaT Center For Human Genetics Tuebingen Variant Classification Criteria Version 2. Collection method: clinical testing. Allele origin: germline. Affected: yes. Observed: 1 variant allele.
Comment: CFAP221: BP4

NM_001271049.2(CFAP221):c.1440G>T (p.Met480Ile)

Gene: CFAP221 (cilia and flagella associated protein 221; plus strand). Cytogenetic location: 2q14.2.
Variant type: single nucleotide variant.
Coding change: c.1440G>T on transcript NM_001271049.2 (MANE Select); coding-DNA position 1440, G replaced by T.
Protein change: p.Met480Ile; replaces methionine 480 with isoleucine.
Molecular consequence: missense variant. On other transcripts: non-coding transcript variant (2).
Genome position (GRCh38, 1-based): chr2:119,625,612, G>T. VCF-style: chr2-119625612-G-T. GRCh37 (hg19) VCF-style: chr2-120383188-G-T.
Other names: short protein forms M480I.
Identifiers: ClinVar variation 5040324 (VCV005040324.1).